The following is an entry in ClinVar:

NM_001127208.3(TET2):c.2161C>A (p.His721Asn)

Genes: TET2 (tet methylcytosine dioxygenase 2; plus strand), TET2-AS1 (TET2 antisense RNA 1; minus strand). Cytogenetic location: 4q24.
Variant type: single nucleotide variant.
Coding change: c.2161C>A on transcript NM_001127208.3 (MANE Select); coding-DNA position 2161, C replaced by A.
Protein change: p.His721Asn; replaces histidine 721 with asparagine.
Molecular consequence: missense variant.
Genome position (GRCh38, 1-based): chr4:105,236,103, C>A. VCF-style: chr4-105236103-C-A. GRCh37 (hg19) VCF-style: chr4-106157260-C-A.
Other names: c.2161C>A, p.His721Asn (NM_017628.4); short protein forms H721N.
Identifiers: ClinVar variation 3806113 (VCV003806113.1).

ClinVar aggregate classification (germline): Uncertain significance (1 of 4 stars; one submission).

gnomAD v4.1: 7 of 1,614,172 alleles (0.00043%); highest among the groups gnomAD compares: Admixed American, 0.01%; no homozygotes.

Submission:

Ambry Genetics
Classification: Uncertain significance. Last evaluated: 2025-03-09. Review status: criteria provided, single submitter. Criteria: Ambry Variant Classification Scheme 2023. Collection method: clinical testing. Allele origin: germline.
Comment: The p.H721N variant (also known as c.2161C>A), located in coding exon 1 of the TET2 gene, results from a C to A substitution at nucleotide position 2161. The histidine at codon 721 is replaced by asparagine, an amino acid with similar properties. This amino acid position is conserved. In addition, this alteration is predicted to be tolerated by in silico analysis. Based on the available evidence, the clinical significance of this variant remains unclear.